The following is an entry in ClinVar:

ClinVar aggregate classification (germline): Likely benign (1 of 4 stars; one submission).

Conditions:
NOTCH2-related disorder. Also called: NOTCH2-related condition.

Submission:

PreventionGenetics, part of Exact Sciences
Classification: Likely benign for NOTCH2-related condition. Last evaluated: 2026-01-16. Review status: criteria provided, single submitter. Criteria: ACMG Guidelines, 2015. Collection method: clinical testing. Allele origin: germline.
Comment: This variant is classified as likely benign based on ACMG/AMP sequence variant interpretation guidelines (Richards et al. 2015 PMID: 25741868, with internal and published modifications).

NM_024408.4(NOTCH2):c.3489A>T (p.Thr1163=)

Gene: NOTCH2 (notch receptor 2; minus strand). Cytogenetic location: 1p12.
Variant type: single nucleotide variant.
Coding change: c.3489A>T on transcript NM_024408.4 (MANE Select); coding-DNA position 3489, A replaced by T.
Protein change: p.Thr1163=; no amino-acid change (threonine 1163 retained).
Molecular consequence: synonymous variant.
Genome position (GRCh38, 1-based): chr1:119,937,315, T>A on the plus strand (A>T on the coding strand, the complement: NOTCH2 is on the minus strand). VCF-style: chr1-119937315-T-A. GRCh37 (hg19) VCF-style: chr1-120479938-T-A.
Other names: c.3489A>T, p.Thr1163= (NM_001200001.2).
Identifiers: ClinVar variation 4993836 (VCV004993836.1).